The following is an entry in ClinVar:

NM_001754.5(RUNX1):c.620G>A (p.Arg207Gln)

Gene: RUNX1 (RUNX family transcription factor 1; minus strand). Cytogenetic location: 21q22.12.
Variant type: single nucleotide variant.
Coding change: c.620G>A on transcript NM_001754.5 (MANE Select); coding-DNA position 620, G replaced by A.
Protein change: p.Arg207Gln; replaces arginine 207 with glutamine.
Molecular consequence: missense variant.
Genome position (GRCh38, 1-based): chr21:34,834,595, C>T on the plus strand (G>A on the coding strand, the complement: RUNX1 is on the minus strand). VCF-style: chr21-34834595-C-T. GRCh37 (hg19) VCF-style: chr21-36206892-C-T.
Other names: NM_001754.5(RUNX1):c.620G>A; p.Arg207Gln; c.539G>A, p.Arg180Gln (NM_001001890.3, NM_001122607.2); short protein forms R180Q, R207Q.
Identifiers: ClinVar variation 843240 (VCV000843240.16), dbSNP rs1229231012, ClinGen allele CA410207199.
Genomic context (GRCh38, chr21:34,834,595, plus strand): 5'-TCACTGAGCCGCTCGGAAAAGGACAAGCTCCCGGGCTTGGTCTGATCATCTAGTTTCTGC[C>T]GATGTCCTATTGTGGGGAGCAGGGAGGGGAGGGGATGGGGGGAGGGAAGGAGGGAGGGAA-3'
Protein context (NP_001745.2, residues 197-217): VDGPREPRRH[Arg207Gln]QKLDDQTKPG

ClinVar aggregate classification (germline): Uncertain significance. Review status: reviewed by expert panel (3 of 4 stars). 6 submissions from 6 submitters: Uncertain significance (1). 5 of the submissions do not count toward it. Last evaluated 2025-02-24.

Conditions:
Inborn genetic diseases. Identifiers: MedGen C0950123, MeSH D030342.
Hereditary thrombocytopenia and hematological cancer predisposition syndrome associated with RUNX1. Also called: PLATELET DISORDER, ASPIRIN-LIKE; RUNX1 Familial Platelet Disorder with Associated Myeloid Malignancies; Familial Platelet Disorder with Propensity to Acute Myelogenous Leukemia; Familial thrombocytopenia with propensity to acute myelogenous leukemia. Identifiers: Orphanet 71290, MedGen C1832388, MeSH C563324, MONDO:0100083, OMIM 601399.
Hereditary thrombocytopenia and hematologic cancer predisposition syndrome. Identifiers: Orphanet 71290, MedGen CN281654, MONDO:0011071.
Hereditary cancer-predisposing syndrome. Also called: Tumor predisposition; Neoplastic Syndromes, Hereditary; Hereditary neoplastic syndrome; Hereditary Cancer Syndrome. Identifiers: Orphanet 140162, MedGen C0027672, MeSH D009386, MONDO:0015356.
Acute myeloid leukemia (AML). Also called: Acute myeloid leukemia, adult; AML adult; Acute non-lymphocytic leukemia; Acute granulocytic leukemia; Leukemia, acute myeloid, somatic; Leukemia, acute myelogenous, somatic. Identifiers: Orphanet 519, MedGen C0023467, MeSH D015470, MONDO:0018874, OMIM 601626, HP:0004808. Disease mechanism: Constitutively activated FLT3.

Allele frequency attached by ClinVar (database versions not stated): gnomAD exomes below 0.00001; TOPMed 0.00001.
gnomAD v4.1: 9 of 1,526,610 alleles (0.00059%); highest among the groups gnomAD compares: Non-Finnish European, 0.00071%; no homozygotes.

Submissions (6):

ClinGen Myeloid Malignancy Variant Curation Expert Panel
Classification: Uncertain significance for Hereditary thrombocytopenia and hematologic cancer predisposition syndrome. Last evaluated: 2025-02-24. Review status: reviewed by expert panel. Criteria: ClinGen MyeloMalig ACMG Specifications v2. Collection method: curation. Allele origin: germline. Inheritance: Autosomal dominant inheritance.
Comment: NM_001754.5(RUNX1):c.620G>A (p.Arg207Gln) is a missense variant which does not meet any ACMG/AMP criteria. In summary, the clinical significance of this variant is uncertain. ACMG/AMP criteria applied, as specified by the Myeloid Malignancy Variant Curation Expert Panel for RUNX1: None.

Ambry Genetics
Classification: Uncertain significance for Inborn genetic diseases. Last evaluated: 2024-12-19. Review status: criteria provided, single submitter. Criteria: Ambry Variant Classification Scheme 2023. Collection method: clinical testing. Allele origin: germline. Not counted in ClinVar's aggregate classification.
Comment: The p.R207Q variant (also known as c.620G>A), located in coding exon 6 of the RUNX1 gene, results from a G to A substitution at nucleotide position 620. The arginine at codon 207 is replaced by glutamine, an amino acid with highly similar properties. This alteration was detected in the germline of an individual diagnosed with acute myeloid leukemia (Mendler JH et al. Haematologica. 2013 Aug;98:e92-4). This amino acid position is highly conserved in available vertebrate species. In addition, the in silico prediction for this alteration is inconclusive.

GeneDx
Classification: Uncertain significance. Last evaluated: 2024-07-15. Review status: criteria provided, single submitter. Criteria: GeneDx Variant Classification Process June 2021. Collection method: clinical testing. Allele origin: germline. Affected: yes. Not counted in ClinVar's aggregate classification.
Comment: Observed as a germline variant in an individual with acute myeloid leukemia (PMID: 23753029); Not observed at significant frequency in large population cohorts (gnomAD); In silico analysis supports that this missense variant has a deleterious effect on protein structure/function; This variant is associated with the following publications: (PMID: 36219880, 23753029)

Labcorp Genetics (formerly Invitae), Labcorp
Classification: Uncertain significance for Hereditary thrombocytopenia and hematological cancer predisposition syndrome associated with RUNX1. Last evaluated: 2024-03-05. Review status: criteria provided, single submitter. Criteria: Invitae Variant Classification Sherloc (09022015). Collection method: clinical testing. Allele origin: germline. Not counted in ClinVar's aggregate classification.
Comment: This sequence change replaces arginine, which is basic and polar, with glutamine, which is neutral and polar, at codon 207 of the RUNX1 protein (p.Arg207Gln). This variant is present in population databases (no rsID available, gnomAD 0.0009%). This missense change has been observed in individual(s) with acute myeloid leukemia (PMID: 23753029). ClinVar contains an entry for this variant (Variation ID: 843240). Advanced modeling of protein sequence and biophysical properties (such as structural, functional, and spatial information, amino acid conservation, physicochemical variation, residue mobility, and thermodynamic stability) performed at Invitae indicates that this missense variant is not expected to disrupt RUNX1 protein function with a negative predictive value of 80%. In summary, the available evidence is currently insufficient to determine the role of this variant in disease. Therefore, it has been classified as a Variant of Uncertain Significance.

Baylor Genetics
Classification: Uncertain significance for Acute myeloid leukemia. Last evaluated: 2023-09-18. Review status: criteria provided, single submitter. Criteria: ACMG Guidelines, 2015. Collection method: clinical testing. Allele origin: unknown. Not counted in ClinVar's aggregate classification.

Sema4
Classification: Uncertain significance for Hereditary cancer-predisposing syndrome. Last evaluated: 2022-03-10. Review status: criteria provided, single submitter. Criteria: Sema4 Curation Guidelines. Collection method: curation. Allele origin: germline. Not counted in ClinVar's aggregate classification.
Comment: The RUNX1 c.620G>A (p.R207Q) variant has been reported in heterozygosity in at least one individual with acute myeloid leukemia (PMID: 23753029). This variant was observed in 1/112370 chromosomes in the European (non-Finnish) population according to the Genome Aggregation Database (PMID: 32461654) and has been reported in ClinVar (Variation ID: 843240). In silico tools suggest the impact of the variant on protein function is deleterious, though these predictions have not been confirmed by functional studies. Based on the current evidence available, this variant is interpreted as a variant of uncertain significance.

Literature cited by the submitters: PubMed 23753029 (cited by 3 submitters).